The following continues an entry in ClinVar:

NM_000218.3(KCNQ1):c.1893dup (p.Arg632fs)

ClinVar aggregate classification (germline): Pathogenic/Likely pathogenic. Pathogenic (13); Likely pathogenic (6).

Submissions 8 to 20 of 20:

All of Us Research Program, National Institutes of Health
Classification: Pathogenic for Long QT syndrome. Last evaluated: 2024-08-08. Review status: criteria provided, single submitter. Criteria: ACMG Guidelines, 2015. Collection method: clinical testing. Allele origin: germline. Inheritance: Autosomal dominant inheritance. Observed: 11 variant alleles, 11 heterozygotes.
Comment: This variant inserts one nucleotide in exon 16 of the KCNQ1 gene, creating a frameshift in the last exon. This variant is also known as c.1893_1894insC and P631fs/19 in the literature. The mutant transcript is expected to escape nonsense-mediated decay and be expressed as a protein product containing altered C-terminal sequence. A functional study has shown that this variant causes protein trafficking defects, and the mutant protein is retained in the endoplasmic reticulum and unable to reach the cell surface (PMID: 19825999). As a result, the cells show severely decreased potassium currents (PMID: 19825999, 33498651). This variant has been reported in multiple individuals affected with monoallelic and biallelic forms of long QT syndrome (PMID: 10024302, 19825999, 23098067, 23631430, 25187895, 33498651). This variant has not been identified in the general population by the Genome Aggregation Database (gnomAD). Based on available evidence, this variant is classified as Pathogenic.

This study involves interpretation of variants in research participants for the purpose of population health screening. Participant phenotype was not available at the time of variant classification. Additional details can be found in publication PMID: 35346344, PMCID: PMC8962531

Molecular Genetics, Royal Melbourne Hospital
Classification: Pathogenic for Long QT syndrome. Last evaluated: 2024-08-05. Review status: criteria provided, single submitter. Criteria: ACMG Guidelines, 2015. Collection method: clinical testing. Allele origin: germline. Inheritance: Autosomal recessive inheritance.
Comment: This sequence change in KCNQ1 is a frameshift variant that may cause a premature stop codon, p.(Arg632Glnfs*20), that is predicted to escape nonsense-mediated decay and remove <10% of the protein in a gene where loss-of-function is an established disease mechanism (PMID: 11226272, 23098067, 26669661, 29532034). The highest population minor allele frequency in the population database gnomAD v4.1 is 0.02% (14/86,106 alleles) in the South Asian population, consistent with a recessive disease. This variant has been detected compound heterozygous with a second pathogenic allele and homozygous in multiple individuals with long QT syndrome (mainly without deafness) and a recessive segregation with disease has been reported in one family (PMID: 16981927, 23098067, 23631430, 25187895, 32470535, 33498651). Heterozygous individuals have largely been reported as unaffected (PMID: 23158531, 30919684, 31696929, 32383558, 34691145). Functional studies suggest the variant only alters cardiac channel function in a homomeric state, supportive of a recessive inheritance trait (PMID: 33498651). Based on the classification scheme RMH Modified ACMG/AMP Guidelines v1.7.0, this variant is classified as PATHOGENIC. Following criteria are met: PVS1_Moderate, PM3_VeryStrong, PP1, PS3_Supporting.

GeneDx
Classification: Pathogenic. Last evaluated: 2023-12-27. Review status: criteria provided, single submitter. Criteria: GeneDx Variant Classification Process June 2021. Collection method: clinical testing. Allele origin: germline. Affected: yes.
Comment: Also reported as insC1893-1894 or c.1886_1887insC due to alternate nomenclature, and identified in patients with LQTS (PMID: 10024302, 10973849, 16981927, 19716085, 23098067, 32470535, 31737537, 32383558); Observed in large population cohorts (gnomAD; internal data); Published functional studies suggest a damaging effect: trafficking defect, complete loss of electrophysiological function of the KvLQT1 channel (PMID: 19825999); Frameshift variant predicted to result in protein truncation, as the last 45 amino acids are replaced with 19 different amino acids, and other loss-of-function variants have been reported downstream in HGMD; This variant is associated with the following publications: (PMID: 31447099, 10973849, 19716085, 23098067, 23158531, 22727609, 23631430, 19825999, 28798025, 31589614, 34691145, 34505893, 10024302, 32470535, 16981927, 33498651, 32383558, Baye_Article_2022, 31737537, 25187895)

Color Diagnostics, LLC DBA Color Health
Classification: Pathogenic for Cardiac arrhythmia. Last evaluated: 2023-12-21. Review status: criteria provided, single submitter. Criteria: ACMG Guidelines, 2015. Collection method: clinical testing. Allele origin: germline.
Comment: This variant inserts one nucleotide in exon 16 of the KCNQ1 gene, creating a frameshift in the last exon. This variant is also known as c.1893_1894insC and P631fs/19 in the literature. The mutant transcript is expected to escape nonsense-mediated decay and be expressed as a protein product containing altered C-terminal sequence. A functional study has shown that this variant causes protein trafficking defects, and the mutant protein is retained in the endoplasmic reticulum and unable to reach the cell surface (PMID: 19825999). As a result, the cells show severely decreased potassium currents (PMID: 19825999, 33498651). This variant has been reported in multiple individuals affected with monoallelic and biallelic forms of long QT syndrome (PMID: 10024302, 19825999, 23098067, 23631430, 25187895, 33498651). This variant has not been identified in the general population by the Genome Aggregation Database (gnomAD). Based on available evidence, this variant is classified as Pathogenic.

Molecular Genetics Laboratory - Cardiogenetics, CHU de Nantes
Classification: Pathogenic for Long QT syndrome 1. Last evaluated: 2023-08-01. Review status: criteria provided, single submitter. Criteria: ACMG Guidelines, 2015. Collection method: clinical testing. Allele origin: germline. Affected: yes.

Mayo Clinic Laboratories, Mayo Clinic
Classification: Pathogenic. Last evaluated: 2023-07-06. Review status: criteria provided, single submitter. Criteria: ACMG Guidelines, 2015. Collection method: clinical testing. Allele origin: germline. Observed: 1 variant allele.
Comment: PM3, PM6, PS3, PS4_moderate, PVS1_strong

Illumina Laboratory Services, Illumina
Classification: Likely pathogenic. Last evaluated: 2022-09-19. Review status: criteria provided, single submitter. Criteria: ICSL CNVClassificationCriteria Aug2020. Collection method: clinical testing. Allele origin: unknown. Affected: yes.
Comment: The KCNQ1 c.1893dupC (p.Arg632GlnfsTer20) variant results in the duplication of a nucleotide at position c.1893, causing a shift in the protein reading frame that is predicted to result in premature termination of the protein. This variant occurs in the last exon of the gene and may escape nonsense-mediated mRNA decay. Across a selection of the available literature, the p.Arg632GlnfsTer20 variant has been reported in a heterozygous state in at least two individuals with either confirmed or suspected long QT syndrome and in an asymptomatic parent of one of these individuals (PMID: 10024302; PMID: 19716085). Additionally, this variant has been detected in a homozygous state in two individuals with prolonged QT intervals and syncope, while the asymptomatic parents of these individuals were all heterozygous (PMID: 16981927; PMID: 23098067). At least three additional individuals have been reported with a second loss of function variant in KCNQ1, all with prolong QT intervals in addition to a history of cardiac arrest and a positive family history, or a diagnosis of Jervell and Lange-Nielsen syndrome, each in one individual (PMID: 23631430; PMID: 25187895). This variant is reported in the Genome Aggregation Database in three alleles at a frequency of at a frequency of 0.000622 in the South Asian population (version 3.1.2). Experimental evidence in HEK293 and CHO-1 cells show the p.Arg632GlnfsTer20 variant to result in protein trafficking defects and significantly reduced potassium channel activity (PMID: 19825999). Based on the available evidence, the c.1893dupC (p.Arg632GlnfsTer20) variant is classified as likely pathogenic for KCNQ1-related disorders, with reduced penetrance and either a dominant or recessive mode of inheritance.

MGZ Medical Genetics Center
Classification: Pathogenic for Long QT syndrome 1. Last evaluated: 2022-07-28. Review status: criteria provided, single submitter. Criteria: ACMG Guidelines, 2015. Collection method: clinical testing. Allele origin: germline. Affected: yes. Observed: 4 variant alleles.
Comment: ACMG criteria applied: PVS1_STR, PS3_MOD, PS4_MOD, PM2_SUP, PP1

AiLife Diagnostics
Classification: Likely pathogenic. Last evaluated: 2022-01-01. Review status: criteria provided, single submitter. Criteria: ACMG Guidelines, 2015. Collection method: clinical testing. Allele origin: germline. Affected: yes. Observed: 1 variant allele.

Laboratory for Molecular Medicine, Mass General Brigham Personalized Medicine
Classification: Pathogenic for Familial long QT syndrome. Last evaluated: 2019-05-03. Review status: criteria provided, single submitter. Criteria: LMM Criteria. Collection method: clinical testing. Allele origin: germline. Inheritance: Autosomal dominant inheritance. Observed: 1 variant allele.
Comment: proposed classification - variant undergoing re-assessment, contact laboratory

Human Genome Sequencing Center Clinical Lab, Baylor College of Medicine
Classification: Pathogenic for Long QT syndrome 1. Last evaluated: 2018-01-30. Review status: criteria provided, single submitter. Criteria: ACMG Guidelines, 2015. Collection method: clinical testing. Allele origin: germline.
Comment: This c.1893dup (p.Arg632Glnfs*20) variant in the KCNQ1 gene has been reported in 1/93 unrelated LQTS patients [PMID:10024302] while observed with extremely low allele frequency in general population according to gnomad database. This variant has also been reported in trans with an exon7-10 deletion of KCNQ1 in 2 LQTS brothers while both parents are normal carriers. This variant is predicted to cause loss of function of normal protein through mRNA decay or producing a truncated protein, which is a known disease mechanism for this gene. Based on the current evidences, c.1893dup (p.Arg632Glnfs*20) variant in the KCNQ1 gene is classified as pathogenic.

Biesecker Lab/Clinical Genomics Section, National Institutes of Health
Classification: Pathogenic for Long QT syndrome 1. Last evaluated: 2018-01-15. Review status: criteria provided, single submitter. Criteria: ACMG Guidelines, 2015. Collection method: curation. Allele origin: germline. Study: CSER_ClinSeq.

OMIM
Classification: Pathogenic for LONG QT SYNDROME 1. Last evaluated: 1999-02-19. Review status: no assertion criteria provided. Collection method: literature only. Allele origin: germline. Not counted in ClinVar's aggregate classification.

Literature cited by the submitters: PubMed 33498651 (cited by 6 submitters); PubMed 25187895 (cited by 10 submitters); PubMed 23098067 (cited by 9 submitters); PubMed 19632626 (cited by Victorian Clinical Genetics Services, Murdoch Childrens Research Institute); PubMed 20301308 (cited by Victorian Clinical Genetics Services, Murdoch Childrens Research Institute); PubMed 16981927 (cited by 7 submitters); PubMed 28438721 (cited by Victorian Clinical Genetics Services, Murdoch Childrens Research Institute); PubMed 10024302 (cited by 9 submitters); PubMed 19825999 (cited by 7 submitters); PubMed 23631430 (cited by 7 submitters); PubMed 19716085 (cited by 4 submitters); PubMed 23158531 (cited by Ambry Genetics and Molecular Genetics, Royal Melbourne Hospital); PubMed 31737537 (cited by 3 submitters); PubMed 32383558 (cited by 4 submitters); PubMed 11226272 (cited by Molecular Genetics, Royal Melbourne Hospital); PubMed 26669661 (cited by Molecular Genetics, Royal Melbourne Hospital); PubMed 29532034 (cited by Molecular Genetics, Royal Melbourne Hospital); PubMed 30919684 (cited by Molecular Genetics, Royal Melbourne Hospital); PubMed 31696929 (cited by Molecular Genetics, Royal Melbourne Hospital); PubMed 32470535 (cited by Molecular Genetics, Royal Melbourne Hospital and Mayo Clinic Laboratories, Mayo Clinic); PubMed 34691145 (cited by Molecular Genetics, Royal Melbourne Hospital); PubMed 22727609 (cited by Mayo Clinic Laboratories, Mayo Clinic); PubMed 28798025 (cited by Mayo Clinic Laboratories, Mayo Clinic and AiLife Diagnostics); PubMed 31447099 (cited by Mayo Clinic Laboratories, Mayo Clinic and AiLife Diagnostics); PubMed 31589614 (cited by Mayo Clinic Laboratories, Mayo Clinic and AiLife Diagnostics); PubMed 34505893 (cited by Mayo Clinic Laboratories, Mayo Clinic).